The following is an entry in ClinVar:

NM_000036.3(AMPD1):c.1846G>A (p.Ala616Thr)

Gene: AMPD1 (adenosine monophosphate deaminase 1; minus strand). Cytogenetic location: 1p13.2.
Variant type: single nucleotide variant.
Coding change: c.1846G>A on transcript NM_000036.3 (MANE Select); coding-DNA position 1846, G replaced by A.
Protein change: p.Ala616Thr; replaces alanine 616 with threonine.
Molecular consequence: missense variant.
Genome position (GRCh38, 1-based): chr1:114,674,037, C>T on the plus strand (G>A on the coding strand, the complement: AMPD1 is on the minus strand). VCF-style: chr1-114674037-C-T. GRCh37 (hg19) VCF-style: chr1-115216658-C-T.
Other names: c.1834G>A, p.Ala612Thr (NM_001172626.2); short protein forms A616T, A612T.
Identifiers: ClinVar variation 2059086 (VCV002059086.2), dbSNP rs138019598, ClinGen allele CA1019993.

ClinVar aggregate classification (germline): Uncertain significance. Review status: criteria provided, multiple submitters, no conflicts (2 of 4 stars). 2 submissions from 2 submitters: Uncertain significance (2). Last evaluated 2022-12-19.

Conditions:
Inborn genetic diseases. Identifiers: MedGen C0950123, MeSH D030342.
Muscle AMP deaminase deficiency (MMDD). Also called: AMPD1 DEFICIENCY; ADENOSINE MONOPHOSPHATE DEAMINASE-1 DEFICIENCY, MYOPATHY DUE TO; Myoadenylate deaminase deficiency, myopathy due to; Adenosine monophosphate deaminase 1 deficiency; AMP deaminase 1 deficiency; Adenosine Monophosphate Deaminase 1. Identifiers: Orphanet 45, MedGen C3714933, MONDO:0014220, OMIM 615511.

Allele frequency attached by ClinVar (database versions not stated): gnomAD 0.00009; ESP Exome Variant Server 0.00015; TOPMed 0.00015.

Submissions (2):

Ambry Genetics
Classification: Uncertain significance for Inborn genetic diseases. Last evaluated: 2022-12-19. Review status: criteria provided, single submitter. Criteria: Ambry Variant Classification Scheme 2023. Collection method: clinical testing. Allele origin: germline.

Labcorp Genetics (formerly Invitae), Labcorp
Classification: Uncertain significance for Muscle AMP deaminase deficiency. Last evaluated: 2022-05-03. Review status: criteria provided, single submitter. Criteria: Invitae Variant Classification Sherloc (09022015). Collection method: clinical testing. Allele origin: germline.
Comment: This sequence change replaces alanine, which is neutral and non-polar, with threonine, which is neutral and polar, at codon 649 of the AMPD1 protein (p.Ala649Thr). This variant is present in population databases (rs138019598, gnomAD 0.02%). This variant has not been reported in the literature in individuals affected with AMPD1-related conditions. Algorithms developed to predict the effect of missense changes on protein structure and function (SIFT, PolyPhen-2, Align-GVGD) all suggest that this variant is likely to be disruptive. In summary, the available evidence is currently insufficient to determine the role of this variant in disease. Therefore, it has been classified as a Variant of Uncertain Significance.